The following is an entry in ClinVar:

NM_015602.4(TOR1AIP1):c.1088C>G (p.Thr363Ser)

Gene: TOR1AIP1 (torsin 1A interacting protein 1; plus strand). Cytogenetic location: 1q25.2.
Variant type: single nucleotide variant.
Coding change: c.1088C>G on transcript NM_015602.4 (MANE Select); coding-DNA position 1088, C replaced by G.
Protein change: p.Thr363Ser; replaces threonine 363 with serine.
Molecular consequence: missense variant.
Genome position (GRCh38, 1-based): chr1:179,917,575, C>G. VCF-style: chr1-179917575-C-G. GRCh37 (hg19) VCF-style: chr1-179886710-C-G.
Other names: c.1091C>G, p.Thr364Ser (NM_001267578.2); c.1091C>G (NM_001267578.1); c.1088C>G (NM_015602.2); short protein forms T364S, T363S.
Identifiers: ClinVar variation 2081791 (VCV002081791.6), dbSNP rs758744392, ClinGen allele CA1269093.

ClinVar aggregate classification (germline): Uncertain significance. Review status: criteria provided, multiple submitters, no conflicts (2 of 4 stars). 3 submissions from 3 submitters: Uncertain significance (3). Last evaluated 2025-07-04.

Conditions:
Autosomal recessive limb-girdle muscular dystrophy type 2Y (MRRSDC). Also called: Muscular dystrophy, limb-girdle, type 2y; Muscular dystrophy, autosomal recessive, with rigid spine and distal joint contractures. Identifiers: Orphanet 424261, MedGen C4511482, MONDO:0014900, OMIM 617072.
Inborn genetic diseases. Identifiers: MedGen C0950123, MeSH D030342.

Allele frequency attached by ClinVar (database versions not stated): TOPMed below 0.00001; gnomAD 0.00001; gnomAD exomes 0.00001; ExAC 0.00002.
gnomAD v4.1: 7 of 1,614,024 alleles (0.00043%); highest among the groups gnomAD compares: Admixed American, 0.012%; no homozygotes.

Submissions (3):

Ambry Genetics
Classification: Uncertain significance for Inborn genetic diseases. Last evaluated: 2025-07-04. Review status: criteria provided, single submitter. Criteria: Ambry Variant Classification Scheme 2023. Collection method: clinical testing. Allele origin: germline.

GeneDx
Classification: Uncertain significance. Last evaluated: 2024-10-18. Review status: criteria provided, single submitter. Criteria: GeneDx Variant Classification Process June 2021. Collection method: clinical testing. Allele origin: germline. Affected: yes.
Comment: In silico analysis indicates that this missense variant does not alter protein structure/function; Has not been previously published as pathogenic or benign to our knowledge

Labcorp Genetics (formerly Invitae), Labcorp
Classification: Uncertain significance for Autosomal recessive limb-girdle muscular dystrophy type 2Y. Last evaluated: 2022-06-14. Review status: criteria provided, single submitter. Criteria: Invitae Variant Classification Sherloc (09022015). Collection method: clinical testing. Allele origin: germline.
Comment: In summary, the available evidence is currently insufficient to determine the role of this variant in disease. Therefore, it has been classified as a Variant of Uncertain Significance. Algorithms developed to predict the effect of missense changes on protein structure and function (SIFT, PolyPhen-2, Align-GVGD) all suggest that this variant is likely to be tolerated. This variant has not been reported in the literature in individuals affected with TOR1AIP1-related conditions. This variant is present in population databases (rs758744392, gnomAD 0.02%). This sequence change replaces threonine, which is neutral and polar, with serine, which is neutral and polar, at codon 364 of the TOR1AIP1 protein (p.Thr364Ser).